The following is an entry in ClinVar:

NM_139027.6(ADAMTS13):c.2483A>G (p.Asn828Ser)

Gene: ADAMTS13 (ADAM metallopeptidase with thrombospondin type 1 motif 13; plus strand). Cytogenetic location: 9q34.2.
Variant type: single nucleotide variant.
Coding change: c.2483A>G on transcript NM_139027.6 (MANE Select); coding-DNA position 2483, A replaced by G.
Protein change: p.Asn828Ser; replaces asparagine 828 with serine.
Molecular consequence: missense variant. On other transcripts: non-coding transcript variant (1).
Genome position (GRCh38, 1-based): chr9:133,444,925, A>G. VCF-style: chr9-133444925-A-G. GRCh37 (hg19) VCF-style: chr9-136310046-A-G.
Other names: c.2483A>G, p.Asn828Ser (NM_139025.5); c.2390A>G, p.Asn797Ser (NM_139026.6); short protein forms N797S, N828S.
Identifiers: ClinVar variation 2135399 (VCV002135399.4), dbSNP rs2491298699, ClinGen allele CA375399543.

ClinVar aggregate classification (germline): Uncertain significance (1 of 4 stars; one submission).

Allele frequency attached by ClinVar (database versions not stated): gnomAD exomes below 0.00001.
gnomAD v4.1: 1 of 1,613,434 alleles (0.000062%); highest among the groups gnomAD compares: Non-Finnish European, 0.000085%; no homozygotes.

Submission:

Labcorp Genetics (formerly Invitae), Labcorp
Classification: Uncertain significance. Last evaluated: 2022-05-08. Review status: criteria provided, single submitter. Criteria: Invitae Variant Classification Sherloc (09022015). Collection method: clinical testing. Allele origin: germline.
Comment: This variant has not been reported in the literature in individuals affected with ADAMTS13-related conditions. In summary, the available evidence is currently insufficient to determine the role of this variant in disease. Therefore, it has been classified as a Variant of Uncertain Significance. Algorithms developed to predict the effect of missense changes on protein structure and function output the following: SIFT: "Tolerated"; PolyPhen-2: "Benign"; Align-GVGD: "Class C0". The serine amino acid residue is found in multiple mammalian species, which suggests that this missense change does not adversely affect protein function. This variant is not present in population databases (gnomAD no frequency). This sequence change replaces asparagine, which is neutral and polar, with serine, which is neutral and polar, at codon 828 of the ADAMTS13 protein (p.Asn828Ser).